The following is an entry in ClinVar:

ClinVar aggregate classification (germline): Likely benign (1 of 4 stars; one submission).

Conditions:
TJP2-related disorder. Also called: TJP2-related condition.

Allele frequency attached by ClinVar (database versions not stated): gnomAD exomes 0.00001; TOPMed 0.00001; ExAC 0.00002; gnomAD 0.00003.
gnomAD v4.1: 28 of 1,613,982 alleles (0.0017%); highest among the groups gnomAD compares: East Asian, 0.0045%; no homozygotes.

Submission:

PreventionGenetics, part of Exact Sciences
Classification: Likely benign for TJP2-related condition. Last evaluated: 2025-12-10. Review status: criteria provided, single submitter. Criteria: ACMG Guidelines, 2015. Collection method: clinical testing. Allele origin: germline.
Comment: This variant is classified as likely benign based on ACMG/AMP sequence variant interpretation guidelines (Richards et al. 2015 PMID: 25741868, with internal and published modifications).

NM_004817.4(TJP2):c.1593C>T (p.Val531=)

Gene: TJP2 (tight junction protein 2; plus strand). Cytogenetic location: 9q21.11.
Variant type: single nucleotide variant.
Coding change: c.1593C>T on transcript NM_004817.4 (MANE Select); coding-DNA position 1593, C replaced by T.
Protein change: p.Val531=; no amino-acid change (valine 531 retained).
Molecular consequence: synonymous variant.
Genome position (GRCh38, 1-based): chr9:69,230,154, C>T. VCF-style: chr9-69230154-C-T. GRCh37 (hg19) VCF-style: chr9-71845070-C-T.
Other names: c.1593C>T, p.Val531= (LRG_1201t1, NM_001369872.1, NM_001369873.1 and 1 more transcripts); c.1524C>T, p.Val508= (NM_001170414.2, NM_001369871.1); c.1605C>T, p.Val535= (NM_001170415.1, NM_001369874.1, NM_001369875.1); c.1686C>T, p.Val562= (NM_001170416.2); c.1518C>T, p.Val506= (NM_001369870.1).
Identifiers: ClinVar variation 4981838 (VCV004981838.1), dbSNP rs781308072.